The following is an entry in ClinVar:

NM_004130.4(GYG1):c.832dup (p.Ser278fs)

Gene: GYG1 (glycogenin 1; plus strand). Cytogenetic location: 3q24.
Variant type: Duplication.
Coding change: c.832dup on transcript NM_004130.4 (MANE Select); coding-DNA position 832, one base duplicated (T; older notation c.832dupT).
Protein change: p.Ser278fs; shifts the reading frame from serine 278.
Molecular consequence: frameshift variant. On other transcripts: intron variant (2).
Genome position (GRCh38, 1-based): chr3:149,026,455, T duplicated; the last of 3 consecutive T bases (chr3:149,026,453-149,026,455); duplicating any one gives the same sequence. VCF-style (leftmost placement, unchanged base first): chr3-149026452-C-CT. GRCh37 (hg19) VCF-style: chr3-148744239-C-CT.
Other names: c.829-305dup (NM_001184720.2); c.609-305dup (NM_001184721.2); c.832dupT (NM_004130.3); short protein forms S278fs.
Identifiers: ClinVar variation 871315 (VCV000871315.44), dbSNP rs760872938, ClinGen allele CA2658676.

ClinVar aggregate classification (germline): Pathogenic/Likely pathogenic. Review status: criteria provided, multiple submitters, no conflicts (2 of 4 stars). 4 submissions from 4 submitters: Pathogenic (1); Likely pathogenic (3). Last evaluated 2026-03-22.

Conditions:
Polyglucosan body myopathy type 2. Identifiers: Orphanet 456369, MedGen C4015452, MONDO:0014526, OMIM 616199.
Glycogen storage disease XV (GSD15). Also called: GLYCOGENIN DEFICIENCY; GSD XV. Identifiers: Orphanet 263297, MedGen C3150754, MONDO:0013291, OMIM 613507.
GYG1-related disorder. Also called: GYG1-related condition.

Submissions (4):

PreventionGenetics, part of Exact Sciences
Classification: Likely pathogenic for GYG1-related condition. Last evaluated: 2026-03-22. Review status: criteria provided, single submitter. Criteria: ACMG Guidelines, 2015. Collection method: clinical testing. Allele origin: germline.
Comment: The GYG1 c.832dupT variant is predicted to result in a frameshift and premature protein termination (p.Ser278Phefs*15). To our knowledge, this variant has not been reported in the literature. This variant is reported in 0.0065% of alleles in individuals of South Asian descent in gnomAD. Frameshift variants in GYG1 are expected to be pathogenic. This variant is interpreted as likely pathogenic.

First Genomix Gene Laboratory, Genetic Diagnostics Department
Classification: Likely pathogenic for Glycogen storage disease XV; Polyglucosan body myopathy type 2. Last evaluated: 2025-04-11. Review status: criteria provided, single submitter. Criteria: ACMG Guidelines, 2015. Collection method: clinical testing. Allele origin: germline. Inheritance: Autosomal recessive inheritance. Affected: no. Observed: 1 variant allele.

Labcorp Genetics (formerly Invitae), Labcorp
Classification: Pathogenic for Polyglucosan body myopathy type 2; Glycogen storage disease XV. Last evaluated: 2024-07-07. Review status: criteria provided, single submitter. Criteria: Invitae Variant Classification Sherloc (09022015). Collection method: clinical testing. Allele origin: germline.
Comment: This sequence change creates a premature translational stop signal (p.Ser278Phefs*15) in the GYG1 gene. While this is not anticipated to result in nonsense mediated decay, it is expected to disrupt the last 73 amino acid(s) of the GYG1 protein. This variant is present in population databases (rs760872938, gnomAD 0.006%). This variant has not been reported in the literature in individuals affected with GYG1-related conditions. ClinVar contains an entry for this variant (Variation ID: 871315). This variant disrupts a region of the GYG1 protein in which other variant(s) (p.Tyr332*) have been determined to be pathogenic (PMID: 29264399). This suggests that this is a clinically significant region of the protein, and that variants that disrupt it are likely to be disease-causing. For these reasons, this variant has been classified as Pathogenic.

CeGaT Center for Human Genetics Tuebingen
Classification: Likely pathogenic. Last evaluated: 2019-07-01. Review status: criteria provided, single submitter. Criteria: CeGaT Center For Human Genetics Tuebingen Variant Classification Criteria Version 2. Collection method: clinical testing. Allele origin: germline. Affected: yes. Observed: 1 variant allele.

Literature cited by the submitters: PubMed 29264399 (cited by Labcorp Genetics (formerly Invitae), Labcorp).